The following is an entry in ClinVar:

ClinVar aggregate classification (germline): Uncertain significance (1 of 4 stars; one submission).

Submission:

Women's Health and Genetics/Laboratory Corporation of America, LabCorp
Classification: Uncertain significance. Last evaluated: 2026-04-17. Review status: criteria provided, single submitter. Criteria: LabCorp Variant Classification Summary - May 2015. Collection method: clinical testing. Allele origin: germline.
Comment: Variant summary: HS6ST2 c.532T>C (p.Cys178Arg) results in a non-conservative amino acid change in the encoded protein sequence. Algorithms developed to predict the effect of missense changes on protein structure and function are either unavailable or do not agree on the potential impact of this missense change. The variant was absent in 177575 control chromosomes. The available data on variant occurrences in the general population are insufficient to allow any conclusion about variant significance. To our knowledge, no occurrence of c.532T>C in individuals affected with HS6ST2-related conditions and no experimental evidence demonstrating its impact on protein function have been reported. No submitters have cited clinical-significance assessments for this variant to ClinVar. Based on the evidence outlined above, the variant was classified as uncertain significance.

NM_001394073.1(HS6ST2):c.532T>C (p.Cys178Arg)

Gene: HS6ST2 (heparan sulfate 6-O-sulfotransferase 2; minus strand). Cytogenetic location: Xq26.2.
Variant type: single nucleotide variant.
Coding change: c.532T>C on transcript NM_001394073.1 (MANE Select); coding-DNA position 532, T replaced by C.
Protein change: p.Cys178Arg; replaces cysteine 178 with arginine.
Molecular consequence: missense variant.
Genome position (GRCh38, 1-based): chrX:132,957,223, A>G on the plus strand (T>C on the coding strand, the complement: HS6ST2 is on the minus strand). VCF-style: chrX-132957223-A-G. GRCh37 (hg19) VCF-style: chrX-132091251-A-G.
Other names: c.532T>C, p.Cys178Arg (NM_001077188.2, NM_001394074.1, NM_147175.4); short protein forms C178R.
Identifiers: ClinVar variation 4848436 (VCV004848436.1).